The following is an entry in ClinVar:

NM_004608.4(TBX6):c.959G>T (p.Arg320Leu)

Gene: TBX6 (T-box transcription factor 6; minus strand). Cytogenetic location: 16p11.2.
Variant type: single nucleotide variant.
Coding change: c.959G>T on transcript NM_004608.4 (MANE Select); coding-DNA position 959, G replaced by T.
Protein change: p.Arg320Leu; replaces arginine 320 with leucine.
Molecular consequence: missense variant.
Genome position (GRCh38, 1-based): chr16:30,086,650, C>A on the plus strand (G>T on the coding strand, the complement: TBX6 is on the minus strand). VCF-style: chr16-30086650-C-A. GRCh37 (hg19) VCF-style: chr16-30097971-C-A.
Other names: short protein forms R320L.
Identifiers: ClinVar variation 1365454 (VCV001365454.8), dbSNP rs748053331, ClinGen allele CA395513940.

ClinVar aggregate classification (germline): Uncertain significance (1 of 4 stars; one submission).

gnomAD v4.1: 3 of 1,608,596 alleles (0.00019%); highest among the groups gnomAD compares: East Asian, 0.0067%; no homozygotes.

Submission:

Labcorp Genetics (formerly Invitae), Labcorp
Classification: Uncertain significance. Last evaluated: 2021-01-17. Review status: criteria provided, single submitter. Criteria: Invitae Variant Classification Sherloc (09022015). Collection method: clinical testing. Allele origin: germline.
Comment: In summary, the available evidence is currently insufficient to determine the role of this variant in disease. Therefore, it has been classified as a Variant of Uncertain Significance. Algorithms developed to predict the effect of missense changes on protein structure and function are either unavailable or do not agree on the potential impact of this missense change (SIFT: "Deleterious"; PolyPhen-2: "Probably Damaging"; Align-GVGD: "Class C0"). This sequence change replaces arginine with leucine at codon 320 of the TBX6 protein (p.Arg320Leu). The arginine residue is moderately conserved and there is a moderate physicochemical difference between arginine and leucine. This variant is not present in population databases (ExAC no frequency). This variant has not been reported in the literature in individuals with TBX6-related conditions.